The following is an entry in ClinVar:

ClinVar aggregate classification (germline): Uncertain significance (1 of 4 stars; one submission).

Conditions:
Jeune thoracic dystrophy. Also called: Short-rib thoracic dysplasia; Jeune syndrome; Infantile thoracic dystrophy; Thoracic pelvic phalangeal dystrophy; Jeune's syndrome; Chondroectodermal dysplasia-like syndrome. Identifiers: Orphanet 474, MedGen C0265275, MONDO:0018770.

Submission:

Labcorp Genetics (formerly Invitae), Labcorp
Classification: Uncertain significance for Jeune thoracic dystrophy. Last evaluated: 2025-06-25. Review status: criteria provided, single submitter. Criteria: Invitae Variant Classification Sherloc (09022015). Collection method: clinical testing. Allele origin: germline.
Comment: This sequence change replaces alanine, which is neutral and non-polar, with proline, which is neutral and non-polar, at codon 505 of the DYNC2H1 protein (p.Ala505Pro). This variant is present in population databases (no rsID available, gnomAD 0.0009%). This variant has not been reported in the literature in individuals affected with DYNC2H1-related conditions. Invitae Evidence Modeling of protein sequence and biophysical properties (such as structural, functional, and spatial information, amino acid conservation, physicochemical variation, residue mobility, and thermodynamic stability) indicates that this missense variant is not expected to disrupt DYNC2H1 protein function with a negative predictive value of 95%. In summary, the available evidence is currently insufficient to determine the role of this variant in disease. Therefore, it has been classified as a Variant of Uncertain Significance.

NM_001377.3(DYNC2H1):c.1513G>C (p.Ala505Pro)

Gene: DYNC2H1 (dynein cytoplasmic 2 heavy chain 1; plus strand). Cytogenetic location: 11q22.3.
Variant type: single nucleotide variant.
Coding change: c.1513G>C on transcript NM_001377.3 (MANE Select); coding-DNA position 1513, G replaced by C.
Protein change: p.Ala505Pro; replaces alanine 505 with proline.
Molecular consequence: missense variant.
Genome position (GRCh38, 1-based): chr11:103,122,852, G>C. VCF-style: chr11-103122852-G-C. GRCh37 (hg19) VCF-style: chr11-102993581-G-C.
Other names: c.1513G>C, p.Ala505Pro (NM_001080463.2); short protein forms A505P.
Identifiers: ClinVar variation 4698062 (VCV004698062.1).